The following is an entry in ClinVar:

NM_001037333.3(CYFIP2):c.229C>T (p.His77Tyr)

Gene: CYFIP2 (cytoplasmic FMR1 interacting protein 2; plus strand). Cytogenetic location: 5q33.3.
Variant type: single nucleotide variant.
Coding change: c.229C>T on transcript NM_001037333.3 (MANE Select); coding-DNA position 229, C replaced by T.
Protein change: p.His77Tyr; replaces histidine 77 with tyrosine.
Molecular consequence: missense variant. On other transcripts: intron variant (1).
Genome position (GRCh38, 1-based): chr5:157,294,804, C>T. VCF-style: chr5-157294804-C-T. GRCh37 (hg19) VCF-style: chr5-156721813-C-T.
Other names: c.229C>T, p.His77Tyr (NM_001291722.2, NM_014376.4); c.208-1869C>T (NM_001291721.2); short protein forms H77Y.
Identifiers: ClinVar variation 1665292 (VCV001665292.32), dbSNP rs1201497625, ClinGen allele CA361965712.
Genomic context (GRCh38, chr5:157,294,804, plus strand): 5'-GTCTTGTTCCTCCCTGCTGAGGCTGTTTTACCATTTCAGAATGAGATGCTGGAGGAAGGA[C>T]ATGAGTATGCGGTCATGCTGTACACCTGGCGCAGCTGTTCCCGGGCCATTCCCCAGGTGA-3'
Protein context (NP_001032410.1, residues 67-87): SSMNEMLEEG[His77Tyr]EYAVMLYTWR

ClinVar aggregate classification (germline): Conflicting classifications of pathogenicity. Review status: criteria provided, conflicting classifications (1 of 4 stars). 2 submissions from 2 submitters: Uncertain significance (1); Likely benign (1). Last evaluated 2023-10-01.

Allele frequency attached by ClinVar (database versions not stated): gnomAD exomes below 0.00001.
gnomAD v4.1: 1 of 1,613,800 alleles (0.000062%); highest among the groups gnomAD compares: Non-Finnish European, 0.000085%; no homozygotes.

Submissions (2):

CeGaT Center for Human Genetics Tuebingen
Classification: Uncertain significance. Last evaluated: 2023-10-01. Review status: criteria provided, single submitter. Criteria: CeGaT Center For Human Genetics Tuebingen Variant Classification Criteria Version 2. Collection method: clinical testing. Allele origin: germline. Affected: yes. Observed: 1 variant allele.
Comment: CYFIP2: PM2, PP2

Labcorp Genetics (formerly Invitae), Labcorp
Classification: Likely benign. Last evaluated: 2022-07-12. Review status: criteria provided, single submitter. Criteria: Invitae Variant Classification Sherloc (09022015). Collection method: clinical testing. Allele origin: germline.